The following is an entry in ClinVar:

ClinVar aggregate classification (germline): Benign. Review status: criteria provided, single submitter (1 of 4 stars). 2 submissions from 2 submitters: Benign (1). 1 of the submissions does not count toward it. Last evaluated 2026-01-28.

Conditions:
KRT3-related disorder. Also called: KRT3-related condition.

Allele frequency attached by ClinVar (database versions not stated): 1000 Genomes Project 30x 0.01421; 1000 Genomes Project 0.01478; TOPMed 0.01918; ESP Exome Variant Server 0.01984; gnomAD 0.02079; ExAC 0.02360; gnomAD exomes 0.02744.
gnomAD v4.1: 43,116 of 1,614,092 alleles (2.7%); highest among the groups gnomAD compares: Non-Finnish European, 3%; 641 homozygotes.

Submissions (2):

Labcorp Genetics (formerly Invitae), Labcorp
Classification: Benign. Last evaluated: 2026-01-28. Review status: criteria provided, single submitter. Criteria: Invitae Variant Classification Sherloc (09022015). Collection method: clinical testing. Allele origin: germline.

PreventionGenetics, part of Exact Sciences
Classification: Benign for KRT3-related condition. Last evaluated: 2019-07-15. Review status: no assertion criteria provided. Collection method: clinical testing. Allele origin: germline. Not counted in ClinVar's aggregate classification.
Comment: This variant is classified as benign based on ACMG/AMP sequence variant interpretation guidelines (Richards et al. 2015 PMID: 25741868, with internal and published modifications).

NM_057088.3(KRT3):c.93T>C (p.Cys31=)

Gene: KRT3 (keratin 3; minus strand). Cytogenetic location: 12q13.13.
Variant type: single nucleotide variant.
Coding change: c.93T>C on transcript NM_057088.3 (MANE Select); coding-DNA position 93, T replaced by C.
Protein change: p.Cys31=; no amino-acid change (cysteine 31 retained).
Molecular consequence: synonymous variant.
Genome position (GRCh38, 1-based): chr12:52,795,950, A>G on the plus strand (T>C on the coding strand, the complement: KRT3 is on the minus strand). VCF-style: chr12-52795950-A-G. GRCh37 (hg19) VCF-style: chr12-53189734-A-G.
Other names: c.93T>C (NM_057088.2).
Identifiers: ClinVar variation 2042004 (VCV002042004.6), dbSNP rs139995578, ClinGen allele CA6588308.